The following is an entry in ClinVar:

NM_001040436.3(YARS2):c.92C>T (p.Ala31Val)

Gene: YARS2 (tyrosyl-tRNA synthetase 2; minus strand). Cytogenetic location: 12p11.21.
Variant type: single nucleotide variant.
Coding change: c.92C>T on transcript NM_001040436.3 (MANE Select); coding-DNA position 92, C replaced by T.
Protein change: p.Ala31Val; replaces alanine 31 with valine.
Molecular consequence: missense variant.
Genome position (GRCh38, 1-based): chr12:32,755,783, G>A on the plus strand (C>T on the coding strand, the complement: YARS2 is on the minus strand). VCF-style: chr12-32755783-G-A. GRCh37 (hg19) VCF-style: chr12-32908717-G-A.
Other names: c.92C>T (NM_001040436.2); short protein forms A31V.
Identifiers: ClinVar variation 2075329 (VCV002075329.5), dbSNP rs1345271144, ClinGen allele CA384374601.

ClinVar aggregate classification (germline): Uncertain significance. Review status: criteria provided, multiple submitters, no conflicts (2 of 4 stars). 2 submissions from 2 submitters: Uncertain significance (2). Last evaluated 2024-08-01.

Conditions:
Inborn genetic diseases. Identifiers: MedGen C0950123, MeSH D030342.

Allele frequency attached by ClinVar (database versions not stated): TOPMed 0.00001; gnomAD 0.00002.

Submissions (2):

Ambry Genetics
Classification: Uncertain significance for Inborn genetic diseases. Last evaluated: 2024-08-01. Review status: criteria provided, single submitter. Criteria: Ambry Variant Classification Scheme 2023. Collection method: clinical testing. Allele origin: germline.

Labcorp Genetics (formerly Invitae), Labcorp
Classification: Uncertain significance. Last evaluated: 2022-07-07. Review status: criteria provided, single submitter. Criteria: Invitae Variant Classification Sherloc (09022015). Collection method: clinical testing. Allele origin: germline.
Comment: This variant is present in population databases (no rsID available, gnomAD 0.008%). This sequence change replaces alanine, which is neutral and non-polar, with valine, which is neutral and non-polar, at codon 31 of the YARS2 protein (p.Ala31Val). This variant has not been reported in the literature in individuals affected with YARS2-related conditions. Advanced modeling of protein sequence and biophysical properties (such as structural, functional, and spatial information, amino acid conservation, physicochemical variation, residue mobility, and thermodynamic stability) performed at Invitae indicates that this missense variant is not expected to disrupt YARS2 protein function. In summary, the available evidence is currently insufficient to determine the role of this variant in disease. Therefore, it has been classified as a Variant of Uncertain Significance.